The following is an entry in ClinVar:

NM_000268.4(NF2):c.1745T>C (p.Leu582Ser)

Gene: NF2 (NF2, moesin-ezrin-radixin like (MERLIN) tumor suppressor; plus strand). Cytogenetic location: 22q12.2.
Variant type: single nucleotide variant.
Coding change: c.1745T>C on transcript NM_000268.4 (MANE Select); coding-DNA position 1745, T replaced by C.
Protein change: p.Leu582Ser; replaces leucine 582 with serine.
Molecular consequence: missense variant. On other transcripts: 3 prime UTR variant (5), non-coding transcript variant (1).
Genome position (GRCh38, 1-based): chr22:29,694,759, T>C. VCF-style: chr22-29694759-T-C. GRCh37 (hg19) VCF-style: chr22-30090748-T-C.
Other names: c.*17T>C (NM_016418.5, NM_181828.3, NM_181829.3 and 1 more transcripts); c.*32T>C (NM_181832.3); c.455T>C, p.Leu152Ser (NM_181833.3); short protein forms L582S, L152S.
Identifiers: ClinVar variation 864027 (VCV000864027.10), dbSNP rs2067498896, ClinGen allele CA411152133.
Genomic context (GRCh38, chr22:29,694,759, plus strand): 5'-GTGACAGAGCGGAGGTCTTGTGCCCTCTCAGCTTCTTCTCTGCTTTCTTACAGCTCACCT[T>C]GCAGAGCGCCAAGTCCCGAGTGGCCTTCTTTGAAGAGCTCTAGCAGGTGACCCAGCCACC-3'
Protein context (NP_000259.1, residues 572-592): SKHNTIKKLT[Leu582Ser]QSAKSRVAFF

ClinVar aggregate classification (germline): Uncertain significance (1 of 4 stars; one submission).

Conditions:
Neurofibromatosis, type 2 (SWNV). Also called: BILATERAL ACOUSTIC NEUROFIBROMATOSIS; SCHWANNOMATOSIS, VESTIBULAR; NF2-Related Schwannomatosis. Identifiers: Orphanet 637, MedGen C0027832, MONDO:0007039, OMIM 101000. Disease mechanism: loss of function.

Submission:

Labcorp Genetics (formerly Invitae), Labcorp
Classification: Uncertain significance for Neurofibromatosis, type 2. Last evaluated: 2019-03-12. Review status: criteria provided, single submitter. Criteria: Invitae Variant Classification Sherloc (09022015). Collection method: clinical testing. Allele origin: germline.
Comment: This variant is not present in population databases (ExAC no frequency). This variant has not been reported in the literature in individuals with NF2-related conditions. Algorithms developed to predict the effect of missense changes on protein structure and function (SIFT, PolyPhen-2, Align-GVGD) all suggest that this variant is likely to be tolerated, but these predictions have not been confirmed by published functional studies and their clinical significance is uncertain. In summary, the available evidence is currently insufficient to determine the role of this variant in disease. Therefore, it has been classified as a Variant of Uncertain Significance. This sequence change replaces leucine with serine at codon 582 of the NF2 protein (p.Leu582Ser). The leucine residue is moderately conserved and there is a large physicochemical difference between leucine and serine.